The following is an entry in ClinVar:

NM_014271.4(IL1RAPL1):c.1114G>A (p.Val372Ile)

Gene: IL1RAPL1 (interleukin 1 receptor accessory protein like 1; plus strand). Cytogenetic location: Xp21.2.
Variant type: single nucleotide variant.
Coding change: c.1114G>A on transcript NM_014271.4 (MANE Select); coding-DNA position 1114, G replaced by A.
Protein change: p.Val372Ile; replaces valine 372 with isoleucine.
Molecular consequence: missense variant.
Genome position (GRCh38, 1-based): chrX:29,941,707, G>A. VCF-style: chrX-29941707-G-A. GRCh37 (hg19) VCF-style: chrX-29959824-G-A.
Other names: short protein forms V372I.
Identifiers: ClinVar variation 2626880 (VCV002626880.1), dbSNP rs183925156, ClinGen allele CA328287911.

ClinVar aggregate classification (germline): Uncertain significance (1 of 4 stars; one submission).

Allele frequency attached by ClinVar (database versions not stated): gnomAD exomes below 0.00001; TOPMed below 0.00001; gnomAD 0.00001; 1000 Genomes Project 30x 0.00021; 1000 Genomes Project 0.00026.
gnomAD v4.1: 2 of 1,206,545 alleles (0.00017%); highest among the groups gnomAD compares: African/African-American, 0.0017%; no homozygotes.

Submission:

Greenwood Genetic Center Diagnostic Laboratories, Greenwood Genetic Center
Classification: Uncertain significance. Last evaluated: 2023-08-11. Review status: criteria provided, single submitter. Criteria: ACMG Guidelines, 2015. Collection method: clinical testing. Allele origin: germline. Affected: yes.
Comment: PM2